The following is an entry in ClinVar:

NM_002691.4(POLD1):c.3219-5C>T

Gene: POLD1 (DNA polymerase delta 1, catalytic subunit; plus strand). Cytogenetic location: 19q13.33.
Variant type: single nucleotide variant.
Coding change: c.3219-5C>T on transcript NM_002691.4 (MANE Select); 5 bases into the intron before coding-DNA position 3219, C replaced by T.
Molecular consequence: intron variant.
Genome position (GRCh38, 1-based): chr19:50,417,837, C>T. VCF-style: chr19-50417837-C-T. GRCh37 (hg19) VCF-style: chr19-50921094-C-T.
Other names: c.3297-5C>T (LRG_785t2, NM_001308632.1); c.3219-5C>T (LRG_785t1, NM_001256849.1).
Identifiers: ClinVar variation 239336 (VCV000239336.23), dbSNP rs748304578, ClinGen allele CA9596822.

ClinVar aggregate classification (germline): Conflicting classifications of pathogenicity. Review status: criteria provided, conflicting classifications (1 of 4 stars). 5 submissions from 5 submitters: Uncertain significance (1); Likely benign (3). 1 of the submissions does not count toward it. Last evaluated 2025-05-05.

Conditions:
POLD1-related disorder. Also called: POLD1-related condition; POLD1-related disorders.
Hereditary cancer-predisposing syndrome. Also called: Hereditary Cancer Syndrome; Neoplastic Syndromes, Hereditary; Hereditary neoplastic syndrome; Tumor predisposition. Identifiers: Orphanet 140162, MedGen C0027672, MeSH D009386, MONDO:0015356.
POLD1-related polyposis and colorectal cancer syndrome (CRCS10). Also called: COLORECTAL CANCER, SUSCEPTIBILITY TO, ON CHROMOSOME 19q; Colorectal cancer 10; Colorectal cancer, susceptibility to, 10. Identifiers: Orphanet 220460, MedGen C2675481, MONDO:0012953, OMIM 612591.

Allele frequency attached by ClinVar (database versions not stated): ExAC below 0.00001; gnomAD exomes 0.00002 and 0.00006; TOPMed 0.00002; gnomAD 0.00003.
gnomAD v4.1: 81 of 1,586,546 alleles (0.0051%); highest among the groups gnomAD compares: Non-Finnish European, 0.0064%; no homozygotes.

Submissions (5):

Labcorp Genetics (formerly Invitae), Labcorp
Classification: Likely benign for POLD1-related polyposis and colorectal cancer syndrome. Last evaluated: 2025-05-05. Review status: criteria provided, single submitter. Criteria: Invitae Variant Classification Sherloc (09022015). Collection method: clinical testing. Allele origin: germline.

Ambry Genetics
Classification: Uncertain significance for Hereditary cancer-predisposing syndrome. Last evaluated: 2024-12-23. Review status: criteria provided, single submitter. Criteria: Ambry Variant Classification Scheme 2023. Collection method: clinical testing. Allele origin: germline.
Comment: The c.3219-5C>T intronic variant results from a C to T substitution 5 nucleotides upstream from coding exon 26 in the POLD1 gene. This nucleotide position is not well conserved in available vertebrate species. In silico splice site analysis predicts that this alteration will not have any significant effect on splicing. Based on the available evidence, the clinical significance of this variant remains unclear.

Blueprint Genetics
Classification: Likely benign. Last evaluated: 2024-04-17. Review status: criteria provided, single submitter. Criteria: ACMG Guidelines, 2015. Collection method: clinical testing. Allele origin: germline.

GeneDx
Classification: Likely benign. Last evaluated: 2019-11-05. Review status: criteria provided, single submitter. Criteria: GeneDx Variant Classification Process June 2021. Collection method: clinical testing. Allele origin: germline. Affected: yes.

PreventionGenetics, part of Exact Sciences
Classification: Likely benign for POLD1-related condition. Last evaluated: 2019-06-13. Review status: no assertion criteria provided. Collection method: clinical testing. Allele origin: germline. Not counted in ClinVar's aggregate classification.
Comment: This variant is classified as likely benign based on ACMG/AMP sequence variant interpretation guidelines (Richards et al. 2015 PMID: 25741868, with internal and published modifications).